The following is an entry in ClinVar:

ClinVar aggregate classification (germline): Likely benign (3 of 4 stars; one submission).

Conditions:
Breast-ovarian cancer, familial, susceptibility to, 2 (BROVCA2). Also called: BRCA2 Hereditary Breast and Ovarian Cancer. Identifiers: Orphanet 145, MedGen C2675520, MONDO:0012933, OMIM 612555. Disease mechanism: loss of function.

Submission:

Evidence-based Network for the Interpretation of Germline Mutant Alleles (ENIGMA)
Classification: Likely benign for Breast-ovarian cancer, familial, susceptibility to, 2. Last evaluated: 2017-06-29. Review status: reviewed by expert panel. Criteria: ENIGMA BRCA1/2 Classification Criteria (2017-06-29). Collection method: curation. Allele origin: germline.
Comment: Synonymous substitution variant, with low bioinformatic likelihood to result in a splicing aberration (Splicing prior probability 0.02).

NM_000059.4(BRCA2):c.1395A>T (p.Val465=)

Gene: BRCA2 (BRCA2 DNA repair associated; plus strand). Cytogenetic location: 13q13.1.
Variant type: single nucleotide variant.
Coding change: c.1395A>T on transcript NM_000059.4 (MANE Select); coding-DNA position 1395, A replaced by T.
Protein change: p.Val465=; no amino-acid change (valine 465 retained).
Molecular consequence: synonymous variant.
Genome position (GRCh38, 1-based): chr13:32,332,873, A>T. VCF-style: chr13-32332873-A-T. GRCh37 (hg19) VCF-style: chr13-32907010-A-T.
Identifiers: ClinVar variation 51117 (VCV000051117.3), dbSNP rs11571641, ClinGen allele CA011884.